The following is an entry in ClinVar:

NM_000492.4(CFTR):c.3273G>C (p.Leu1091Phe)

Genes: CFTR (CF transmembrane conductance regulator; plus strand), CFTR-AS2 (CFTR antisense RNA 2; minus strand), LOC111674472 (DNase I hypersensitive sites in introns 16 and 17a of CFTR; plus strand). Cytogenetic location: 7q31.2.
Variant type: single nucleotide variant.
Coding change: c.3273G>C on transcript NM_000492.4 (MANE Select); coding-DNA position 3273, G replaced by C.
Protein change: p.Leu1091Phe; replaces leucine 1091 with phenylalanine.
Molecular consequence: missense variant.
Genome position (GRCh38, 1-based): chr7:117,611,714, G>C. VCF-style: chr7-117611714-G-C. GRCh37 (hg19) VCF-style: chr7-117251768-G-C.
Other names: short protein forms L1091F.
Identifiers: ClinVar variation 495929 (VCV000495929.1), dbSNP rs752753702, ClinGen allele CA4451414.

ClinVar aggregate classification (germline): Uncertain significance (1 of 4 stars; one submission).

Allele frequency attached by ClinVar (database versions not stated): gnomAD exomes 0.00001; ExAC 0.00001.
gnomAD v4.1: 2 of 1,613,506 alleles (0.00012%); highest among the groups gnomAD compares: Admixed American, 0.0033%; no homozygotes.

Submission:

Women's Health and Genetics/Laboratory Corporation of America, LabCorp
Classification: Uncertain significance. Last evaluated: 2017-05-29. Review status: criteria provided, single submitter. Criteria: LabCorp Variant Classification Summary - May 2015. Collection method: clinical testing. Allele origin: germline.
Comment: Variant summary: The CFTR c.3273G>C (p.Leu1091Phe) variant involves the alteration of a non-conserved nucleotide, is located in ABC transporter type 1, transmembrane domain of the protein (InterPro) and is predicted to be damaging by 3/5 in silico tools. This variant was found in 1/120812 control chromosomes in ExAC at a frequency of 0.0000083, which does not exceed the estimated maximal expected allele frequency of a pathogenic CFTR variant (0.0129603). The variant of interest has not, to our knowledge, been reported in affected individuals via publications and/or reputable databases/clinical diagnostic laboratories, nor has it been evaluated for functional impact by in vivo/vitro studies. Because of the absence of clinical information and the lack of functional studies, the variant is classified as a variant of uncertain significance (VUS) until additional information becomes available.